The following is an entry in ClinVar:

ClinVar aggregate classification (germline): Uncertain significance (1 of 4 stars; one submission).

Conditions:
X-linked lymphoproliferative disease due to XIAP deficiency. Also called: XIAP-Related Lymphoproliferative Disease, X-Linked; XIAP DEFICIENCY. Identifiers: Orphanet 2442, Orphanet 538934, MedGen C1845076, MONDO:0010385, OMIM 300635.

gnomAD v4.1: 1 of 1,211,063 alleles (0.000083%); highest among the groups gnomAD compares: Non-Finnish European, 0.00011%; no homozygotes.

Submission:

Labcorp Genetics (formerly Invitae), Labcorp
Classification: Uncertain significance for X-linked lymphoproliferative disease due to XIAP deficiency. Last evaluated: 2026-01-02. Review status: criteria provided, single submitter. Criteria: Invitae Variant Classification Sherloc (09022015). Collection method: clinical testing. Allele origin: germline.
Comment: This sequence change replaces proline, which is neutral and non-polar, with serine, which is neutral and polar, at codon 464 of the XIAP protein (p.Pro464Ser). This variant is not present in population databases (gnomAD no frequency). This variant has not been reported in the literature in individuals affected with XIAP-related conditions. Invitae Evidence Modeling of protein sequence and biophysical properties (such as structural, functional, and spatial information, amino acid conservation, physicochemical variation, residue mobility, and thermodynamic stability) indicates that this missense variant is expected to disrupt XIAP protein function with a positive predictive value of 80%. In summary, the available evidence is currently insufficient to determine the role of this variant in disease. Therefore, it has been classified as a Variant of Uncertain Significance.

NM_001167.4(XIAP):c.1390C>T (p.Pro464Ser)

Gene: XIAP (X-linked inhibitor of apoptosis; plus strand). Cytogenetic location: Xq25.
Variant type: single nucleotide variant.
Coding change: c.1390C>T on transcript NM_001167.4 (MANE Select); coding-DNA position 1390, C replaced by T.
Protein change: p.Pro464Ser; replaces proline 464 with serine.
Molecular consequence: missense variant. On other transcripts: non-coding transcript variant (2).
Genome position (GRCh38, 1-based): chrX:123,907,077, C>T. VCF-style: chrX-123907077-C-T. GRCh37 (hg19) VCF-style: chrX-123040927-C-T.
Other names: c.1390C>T, p.Pro464Ser (NM_001204401.2, NM_001378590.1, NM_001378591.1 and 1 more transcripts); short protein forms P464S.
Identifiers: ClinVar variation 4743672 (VCV004743672.1).